The following is an entry in ClinVar:

ClinVar aggregate classification (germline): Pathogenic (1 of 4 stars; one submission).

Submission:

Labcorp Genetics (formerly Invitae), Labcorp
Classification: Pathogenic. Last evaluated: 2025-04-16. Review status: criteria provided, single submitter. Criteria: Invitae Variant Classification Sherloc (09022015). Collection method: clinical testing. Allele origin: germline.
Comment: This sequence change creates a premature translational stop signal (p.Gln1312Profs*110) in the ABCA4 gene. It is expected to result in an absent or disrupted protein product. Loss-of-function variants in ABCA4 are known to be pathogenic (PMID: 10958761, 24938718, 25312043, 26780318). This variant is not present in population databases (gnomAD no frequency). This variant has not been reported in the literature in individuals affected with ABCA4-related conditions. ClinVar contains an entry for this variant (Variation ID: 861937). For these reasons, this variant has been classified as Pathogenic.

Literature cited by the submitters: PubMed 10958761; PubMed 24938718; PubMed 25312043; PubMed 26780318.

NM_000350.3(ABCA4):c.3934dup (p.Gln1312fs)

Gene: ABCA4 (ATP binding cassette subfamily A member 4; minus strand). Cytogenetic location: 1p22.1.
Variant type: Duplication.
Coding change: c.3934dup on transcript NM_000350.3 (MANE Select); coding-DNA position 3934, one base duplicated (C; older notation c.3934dupC).
Protein change: p.Gln1312fs; shifts the reading frame from glutamine 1312.
Molecular consequence: frameshift variant.
Genome position (GRCh38, 1-based): chr1:94,031,972, G duplicated on the plus strand (C on the coding strand, the reverse complement: ABCA4 is on the minus strand). VCF-style (leftmost placement, unchanged base first): chr1-94031971-T-TG. GRCh37 (hg19) VCF-style: chr1-94497527-T-TG.
Other names: c.3712dup, p.Gln1238Profs (NM_001425324.1); short protein forms Q1312fs.
Identifiers: ClinVar variation 861937 (VCV000861937.7), dbSNP rs1660218703, ClinGen allele CA916082064.